The following is an entry in ClinVar:

NM_139058.3(ARX):c.769C>G (p.Arg257Gly)

Gene: ARX (aristaless related homeobox; minus strand). Cytogenetic location: Xp21.3.
Variant type: single nucleotide variant.
Coding change: c.769C>G on transcript NM_139058.3 (MANE Select); coding-DNA position 769, C replaced by G.
Protein change: p.Arg257Gly; replaces arginine 257 with glycine.
Molecular consequence: missense variant.
Genome position (GRCh38, 1-based): chrX:25,013,226, G>C on the plus strand (C>G on the coding strand, the complement: ARX is on the minus strand). VCF-style: chrX-25013226-G-C. GRCh37 (hg19) VCF-style: chrX-25031343-G-C.
Other names: short protein forms R257G.
Identifiers: ClinVar variation 579735 (VCV000579735.8), dbSNP rs1475419182, ClinGen allele CA412612461.
Genomic context (GRCh38, chrX:25,013,226, plus strand): 5'-CTGCGGCCACGGCGCCAGTGGCGGCCACAGGACAGCGCCGGGGCTCCTTGAGCAGCGCGC[G>C]GGCGTCGTCCTCCAGCAGCTCCTCCTCGTCGTCCTCCAGCAGTTCCTCTTCCTCGTCCTC-3'
Protein context (NP_620689.1, residues 247-267): DEEELLEDDA[Arg257Gly]ALLKEPRRCP

ClinVar aggregate classification (germline): Uncertain significance (1 of 4 stars; one submission).

Conditions:
Developmental and epileptic encephalopathy, 1 (DEE1). Also called: X-linked infantile spasms; West's syndrome; Tonic spasms with clustering, arrest of psychomotor development and hypsarrhythmia on EEG; X-Linked Infantile Spasm Syndrome; OHTAHARA SYNDROME, X-LINKED; INFANTILE SPASM SYNDROME, X-LINKED 1. Identifiers: MedGen C3463992, MONDO:0010632, OMIM 308350. Disease mechanism: loss of function.
Intellectual disability, X-linked, with or without seizures, ARX-related. Also called: INTELLECTUAL DEVELOPMENTAL DISORDER, X-LINKED 29; MENTAL RETARDATION, X-LINKED 29; MENTAL RETARDATION, X-LINKED 32; MENTAL RETARDATION, X-LINKED 33; MENTAL RETARDATION, X-LINKED 38; MENTAL RETARDATION, X-LINKED 43. Identifiers: Orphanet 777, MedGen C0796244, MONDO:0010317, OMIM 300419.

Allele frequency attached by ClinVar (database versions not stated): TOPMed 0.00002.

Submission:

Labcorp Genetics (formerly Invitae), Labcorp
Classification: Uncertain significance for Developmental and epileptic encephalopathy, 1; Intellectual disability, X-linked, with or without seizures, ARX-related. Last evaluated: 2024-08-12. Review status: criteria provided, single submitter. Criteria: Invitae Variant Classification Sherloc (09022015). Collection method: clinical testing. Allele origin: germline.
Comment: This sequence change replaces arginine, which is basic and polar, with glycine, which is neutral and non-polar, at codon 257 of the ARX protein (p.Arg257Gly). This variant is not present in population databases (gnomAD no frequency). This variant has not been reported in the literature in individuals affected with ARX-related conditions. ClinVar contains an entry for this variant (Variation ID: 579735). Advanced modeling of protein sequence and biophysical properties (such as structural, functional, and spatial information, amino acid conservation, physicochemical variation, residue mobility, and thermodynamic stability) performed at Invitae indicates that this missense variant is not expected to disrupt ARX protein function with a negative predictive value of 80%. In summary, the available evidence is currently insufficient to determine the role of this variant in disease. Therefore, it has been classified as a Variant of Uncertain Significance.